The following is an entry in ClinVar:

NM_018685.5(ANLN):c.1288-10A>T

Gene: ANLN (anillin, actin binding protein; plus strand). Cytogenetic location: 7p14.2.
Variant type: single nucleotide variant.
Coding change: c.1288-10A>T on transcript NM_018685.5 (MANE Select); 10 bases into the intron before coding-DNA position 1288, A replaced by T.
Molecular consequence: intron variant.
Genome position (GRCh38, 1-based): chr7:36,411,049, A>T. VCF-style: chr7-36411049-A-T. GRCh37 (hg19) VCF-style: chr7-36450658-A-T.
Other names: c.1288-10A>T (NM_001284301.3, NM_001284302.3).
Identifiers: ClinVar variation 3030153 (VCV003030153.2), dbSNP rs769696767, ClinGen allele CA2740097339.

ClinVar aggregate classification (germline): Likely benign (0 of 4 stars; one submission).

Conditions:
ANLN-related disorder. Also called: ANLN-related condition.

Submission:

PreventionGenetics, part of Exact Sciences
Classification: Likely benign for ANLN-related condition. Last evaluated: 2020-11-11. Review status: no assertion criteria provided. Collection method: clinical testing. Allele origin: germline.
Comment: This variant is classified as likely benign based on ACMG/AMP sequence variant interpretation guidelines (Richards et al. 2015 PMID: 25741868, with internal and published modifications).